The following is an entry in ClinVar:

NM_001257096.2(PAX1):c.98T>C (p.Leu33Pro)

Gene: PAX1 (paired box 1; plus strand). Cytogenetic location: 20p11.22.
Variant type: single nucleotide variant.
Coding change: c.98T>C on transcript NM_001257096.2 (MANE Select); coding-DNA position 98, T replaced by C.
Protein change: p.Leu33Pro; replaces leucine 33 with proline.
Molecular consequence: missense variant.
Genome position (GRCh38, 1-based): chr20:21,705,810, T>C. VCF-style: chr20-21705810-T-C. GRCh37 (hg19) VCF-style: chr20-21686448-T-C.
Other names: c.98T>C, p.Leu33Pro (NM_006192.5); short protein forms L33P.
Identifiers: ClinVar variation 1168698 (VCV001168698.11), dbSNP rs536204415, ClinGen allele CA9786383.

ClinVar aggregate classification (germline): Benign/Likely benign. Review status: criteria provided, multiple submitters, no conflicts (2 of 4 stars). 3 submissions from 3 submitters: Benign (2); Likely benign (1). Last evaluated 2026-02-11.

Allele frequency attached by ClinVar (database versions not stated): gnomAD exomes 0.00073; gnomAD 0.00863 and 0.00906; 1000 Genomes Project 0.01078; 1000 Genomes Project 30x 0.01140; ExAC 0.01246.
gnomAD v4.1: 2,204 of 1,279,306 alleles (0.17%); highest among the groups gnomAD compares: African/African-American, 3%; 32 homozygotes.

Submissions (3):

Women's Health and Genetics/Laboratory Corporation of America, LabCorp
Classification: Likely benign. Last evaluated: 2026-02-11. Review status: criteria provided, single submitter. Criteria: LabCorp Variant Classification Summary - May 2015. Collection method: clinical testing. Allele origin: germline.
Comment: Variant summary: PAX1 c.98T>C (p.Leu33Pro) results in a non-conservative amino acid change in the encoded protein sequence. Algorithms developed to predict the effect of missense changes on protein structure and function all suggest that this variant is likely to be disruptive. The variant allele was found at a frequency of 0.0017 in 1279306 control chromosomes in the gnomAD database, including 32 homozygotes. The observed variant frequency exceeds the estimated maximal expected allele frequency for disease-causing variants in PAX1. To our knowledge, no occurrence of c.98T>C in individuals affected with PAX1-related conditions and no experimental evidence demonstrating its impact on protein function have been reported. ClinVar contains an entry for this variant (Variation ID: 1168698). Based on the evidence outlined above, the variant was classified as likely benign.

Labcorp Genetics (formerly Invitae), Labcorp
Classification: Benign. Last evaluated: 2026-01-26. Review status: criteria provided, single submitter. Criteria: Invitae Variant Classification Sherloc (09022015). Collection method: clinical testing. Allele origin: germline.

Breakthrough Genomics
Classification: Benign. Review status: criteria provided, single submitter. Criteria: ACMG Guidelines, 2015. Collection method: not provided. Allele origin: germline. Inheritance: Autosomal recessive inheritance. Affected: yes.